The following is an entry in ClinVar:

ClinVar aggregate classification (germline): Conflicting classifications of pathogenicity. Review status: criteria provided, conflicting classifications (1 of 4 stars). 6 submissions from 6 submitters: Uncertain significance (2); Likely benign (2). 2 of the submissions do not count toward it. Last evaluated 2026-04-01.

Conditions:
Iodotyrosyl coupling defect (TDH3). Also called: HYPOTHYROIDISM, CONGENITAL, DUE TO DYSHORMONOGENESIS, 3; THYROID HORMONOGENESIS, GENETIC DEFECT IN, 3. Identifiers: Orphanet 95716, MedGen C0342194, MONDO:0010135, OMIM 274700.

Allele frequency attached by ClinVar (database versions not stated): 1000 Genomes Project 30x 0.00016; 1000 Genomes Project 0.00020; gnomAD 0.00043 and 0.00046; ESP Exome Variant Server 0.00046; gnomAD exomes 0.00049 and 0.00073; ExAC 0.00057; TOPMed 0.00058.
gnomAD v4.1: 812 of 1,614,120 alleles (0.05%); highest among the groups gnomAD compares: Middle Eastern, 0.58%; 5 homozygotes.

Submissions (6):

CeGaT Center for Human Genetics Tuebingen
Classification: Likely benign. Last evaluated: 2026-04-01. Review status: criteria provided, single submitter. Criteria: CeGaT Center For Human Genetics Tuebingen Variant Classification Criteria Version 2. Collection method: clinical testing. Allele origin: germline. Affected: yes. Observed: 1 variant allele.
Comment: TG: BP4, BS2

Labcorp Genetics (formerly Invitae), Labcorp
Classification: Likely benign. Last evaluated: 2026-01-11. Review status: criteria provided, single submitter. Criteria: Invitae Variant Classification Sherloc (09022015). Collection method: clinical testing. Allele origin: germline.

Women's Health and Genetics/Laboratory Corporation of America, LabCorp
Classification: Uncertain significance. Last evaluated: 2024-07-15. Review status: criteria provided, single submitter. Criteria: LabCorp Variant Classification Summary - May 2015. Collection method: clinical testing. Allele origin: germline.
Comment: Variant summary: TG c.1573G>A (p.Gly525Arg) results in a non-conservative amino acid change in the encoded protein sequence. Four of five in-silico tools predict a benign effect of the variant on protein function. The variant allele was found at a frequency of 0.00073 in 251182 control chromosomes, predominantly at a frequency of 0.0014 within the Latino subpopulation in the gnomAD database. This frequency is not significantly higher than estimated for a pathogenic variant in TG causing TG-Related Disorders, allowing no conclusion about variant significance. To our knowledge, no occurrence of c.1573G>A in individuals affected with TG-Related Disorders and no experimental evidence demonstrating its impact on protein function have been reported. ClinVar contains an entry for this variant (Variation ID: 727745). Based on the evidence outlined above, the variant was classified as uncertain significance.

Illumina Laboratory Services, Illumina
Classification: Uncertain significance for Iodotyrosyl coupling defect. Last evaluated: 2017-04-27. Review status: criteria provided, single submitter. Criteria: ICSL Variant Classification Criteria 13 December 2019. Collection method: clinical testing. Allele origin: germline.

Clinical Genetics DNA and cytogenetics Diagnostics Lab, Erasmus MC, Erasmus Medical Center
Classification: Likely benign. Review status: no assertion criteria provided. Collection method: clinical testing. Allele origin: germline. Affected: yes. Study: VKGL Data-share Consensus. Not counted in ClinVar's aggregate classification.

Clinical Genetics, Academic Medical Center
Classification: Likely benign. Review status: no assertion criteria provided. Collection method: clinical testing. Allele origin: germline. Affected: yes. Study: VKGL Data-share Consensus. Not counted in ClinVar's aggregate classification.

NM_003235.5(TG):c.1573G>A (p.Gly525Arg)

Gene: TG (thyroglobulin; plus strand). Cytogenetic location: 8q24.22.
Variant type: single nucleotide variant.
Coding change: c.1573G>A on transcript NM_003235.5 (MANE Select); coding-DNA position 1573, G replaced by A.
Protein change: p.Gly525Arg; replaces glycine 525 with arginine.
Molecular consequence: missense variant.
Genome position (GRCh38, 1-based): chr8:132,886,945, G>A. VCF-style: chr8-132886945-G-A. GRCh37 (hg19) VCF-style: chr8-133899190-G-A.
Other names: short protein forms G525R.
Identifiers: ClinVar variation 727745 (VCV000727745.17), dbSNP rs140232663, ClinGen allele CA4883210.